The following is an entry in ClinVar:

NM_000089.4(COL1A2):c.1558G>A (p.Gly520Ser)

Gene: COL1A2 (collagen type I alpha 2 chain; plus strand). Cytogenetic location: 7q21.3.
Variant type: single nucleotide variant.
Coding change: c.1558G>A on transcript NM_000089.4 (MANE Select); coding-DNA position 1558, G replaced by A.
Protein change: p.Gly520Ser; replaces glycine 520 with serine.
Molecular consequence: missense variant.
Genome position (GRCh38, 1-based): chr7:94,413,690, G>A. VCF-style: chr7-94413690-G-A. GRCh37 (hg19) VCF-style: chr7-94043002-G-A.
Other names: short protein forms G520S.
Identifiers: ClinVar variation 4075343 (VCV004075343.1).

ClinVar aggregate classification (germline): Pathogenic (1 of 4 stars; one submission).

Conditions:
Osteogenesis imperfecta type I (OI1). Also called: Classic Non-deforming Osteogenesis Imperfecta with Blue Sclerae; Lobstein disease; OI, TYPE I; OSTEOGENESIS IMPERFECTA TARDA; OSTEOGENESIS IMPERFECTA WITH BLUE SCLERAE; Osteogenesis imperfecta type 1. Identifiers: Orphanet 216796, Orphanet 666, MedGen C0023931, MONDO:0008146, OMIM 166200. Disease mechanism: loss of function.

Submission:

Clinical Biomedical Laboratory, Shriners Hospital For Children - Canada
Classification: Pathogenic for Osteogenesis imperfecta type I. Last evaluated: 2025-07-16. Review status: criteria provided, single submitter. Criteria: ACMG Guidelines, 2015. Collection method: clinical testing. Allele origin: germline. Affected: yes.
Comment: This variant is predicted to substitute a glycine residue by a serine residue in the alpha 2 chain of collagen type I. Glycine substitutions in the triple helical domain of collagen type I cause disruption in the formation of the triple helix in the collagen molecule and are a typical cause of osteogenesis imperfecta. This variant is absent from the Genome Aggregation Database v.2.1.1, indicating it is very rare. This variant has been reported in the literature (PMID:17078022). Prediction tools: (REVEL: 1.00) suggest that the change is detrimental to protein function.

Literature cited by the submitters: PubMed 17078022.